The following is an entry in ClinVar:

NM_014548.4(TMOD2):c.730A>G (p.Ile244Val)

Gene: TMOD2 (tropomodulin 2; plus strand). Cytogenetic location: 15q21.2.
Variant type: single nucleotide variant.
Coding change: c.730A>G on transcript NM_014548.4 (MANE Select); coding-DNA position 730, A replaced by G.
Protein change: p.Ile244Val; replaces isoleucine 244 with valine.
Molecular consequence: missense variant. On other transcripts: intron variant (1).
Genome position (GRCh38, 1-based): chr15:51,782,826, A>G. VCF-style: chr15-51782826-A-G. GRCh37 (hg19) VCF-style: chr15-52075023-A-G.
Other names: c.624+1652A>G (NM_001142885.2); short protein forms I244V.
Identifiers: ClinVar variation 2521293 (VCV002521293.3), dbSNP rs774320183, ClinGen allele CA7563804.

ClinVar aggregate classification (germline): Uncertain significance (1 of 4 stars; one submission).

Allele frequency attached by ClinVar (database versions not stated): ExAC 0.00001; gnomAD exomes 0.00001; gnomAD 0.00006; TOPMed 0.00009.
gnomAD v4.1: 19 of 1,612,362 alleles (0.0012%); highest among the groups gnomAD compares: Admixed American, 0.017%; no homozygotes.

Submission:

Ambry Genetics
Classification: Uncertain significance. Last evaluated: 2026-02-02. Review status: criteria provided, single submitter. Criteria: Ambry Variant Classification Scheme 2023. Collection method: clinical testing. Allele origin: germline.
Comment: The c.730A>G (p.I244V) alteration is located in exon 7 (coding exon 6) of the TMOD2 gene. This alteration results from a A to G substitution at nucleotide position 730, causing the isoleucine (I) at amino acid position 244 to be replaced by a valine (V). Based on data from gnomAD, the G allele has an overall frequency of 0.001% (2/246790) total alleles studied. The highest observed frequency was 0.006% (1/18210) of East Asian alleles. Based on insufficient or conflicting evidence, the clinical significance of this alteration remains unclear.